The following is an entry in ClinVar:

NM_004984.4(KIF5A):c.103C>A (p.Gln35Lys)

Gene: KIF5A (kinesin family member 5A; plus strand). Cytogenetic location: 12q13.3.
Variant type: single nucleotide variant.
Coding change: c.103C>A on transcript NM_004984.4 (MANE Select); coding-DNA position 103, C replaced by A.
Protein change: p.Gln35Lys; replaces glutamine 35 with lysine.
Molecular consequence: missense variant.
Genome position (GRCh38, 1-based): chr12:57,550,374, C>A. VCF-style: chr12-57550374-C-A. GRCh37 (hg19) VCF-style: chr12-57944157-C-A.
Other names: c.103C>A, p.Gln35Lys (NM_001354705.2); short protein forms Q35K.
Identifiers: ClinVar variation 1365403 (VCV001365403.8), dbSNP rs2140150213, ClinGen allele CA385496288.

ClinVar aggregate classification (germline): Uncertain significance (1 of 4 stars; one submission).

Conditions:
Spastic paraplegia. Identifiers: MedGen C0037772, HP:0001258.

Submission:

Labcorp Genetics (formerly Invitae), Labcorp
Classification: Uncertain significance for Spastic paraplegia. Last evaluated: 2022-06-27. Review status: criteria provided, single submitter. Criteria: Invitae Variant Classification Sherloc (09022015). Collection method: clinical testing. Allele origin: germline.
Comment: In summary, the available evidence is currently insufficient to determine the role of this variant in disease. Therefore, it has been classified as a Variant of Uncertain Significance. Advanced modeling of protein sequence and biophysical properties (such as structural, functional, and spatial information, amino acid conservation, physicochemical variation, residue mobility, and thermodynamic stability) performed at Invitae indicates that this missense variant is not expected to disrupt KIF5A protein function. This variant has not been reported in the literature in individuals affected with KIF5A-related conditions. This variant is not present in population databases (gnomAD no frequency). This sequence change replaces glutamine, which is neutral and polar, with lysine, which is basic and polar, at codon 35 of the KIF5A protein (p.Gln35Lys).